The following is an entry in ClinVar:

NM_001267550.2(TTN):c.77654T>C (p.Ile25885Thr)

Genes: TTN (titin; minus strand), TTN-AS1 (TTN antisense RNA 1; plus strand). Cytogenetic location: 2q31.2.
Variant type: single nucleotide variant.
Coding change: c.77654T>C on transcript NM_001267550.2 (MANE Select); coding-DNA position 77654, T replaced by C.
Protein change: p.Ile25885Thr; replaces isoleucine 25885 with threonine.
Molecular consequence: missense variant.
Genome position (GRCh38, 1-based): chr2:178,568,478, A>G on the plus strand (T>C on the coding strand, the complement: TTN is on the minus strand). VCF-style: chr2-178568478-A-G. GRCh37 (hg19) VCF-style: chr2-179433205-A-G.
Other names: p.I23317T:ATT>ACT; c.72731T>C, p.Ile24244Thr (NM_001256850.1); c.50459T>C, p.Ile16820Thr (NM_003319.4); c.69950T>C, p.Ile23317Thr (NM_133378.4); c.50834T>C, p.Ile16945Thr (NM_133432.3); c.51035T>C, p.Ile17012Thr (NM_133437.4); short protein forms I23317T, I25885T, I24244T, I16820T, I16945T, I17012T.
Identifiers: ClinVar variation 202330 (VCV000202330.18), dbSNP rs199514898, ClinGen allele CA309108.
Genomic context (GRCh38, chr2:178,568,478, plus strand): 5'-GCACTGACGTCATCAAATTTAACAGGTCCTTTTGGAGGATCAGGTTTATCTAGAGTTACA[A>G]TTTCGATGGATGCTGTCTTCTGACCAACAACATTGGCAACTGTGATTCCATATTGTCCAC-3'
Protein context (NP_001254479.2, residues 25875-25895): VVGQKTASIE[Ile25885Thr]VTLDKPDPPK

ClinVar aggregate classification (germline): Conflicting classifications of pathogenicity. Review status: criteria provided, conflicting classifications (1 of 4 stars). 12 submissions from 8 submitters: Uncertain significance (8); Benign (2); Likely benign (2). Last evaluated 2025-08-05.

Conditions:
TTN-related disorder. Also called: TTN-related condition; TTN-related disease; TTN-related disorders.
Cardiovascular phenotype. Identifiers: MedGen CN230736.
Dilated cardiomyopathy 1G (CMD1G). Identifiers: Orphanet 154, MedGen C1858763, MONDO:0011400, OMIM 604145.
Autosomal recessive limb-girdle muscular dystrophy type 2J (LGMDR10). Also called: Limb-girdle muscular dystrophy, type 2J; MUSCULAR DYSTROPHY, LIMB-GIRDLE, AUTOSOMAL RECESSIVE 10. Identifiers: Orphanet 140922, MedGen C1837342, MONDO:0012127, OMIM 608807.
Early-onset myopathy with fatal cardiomyopathy (CMYO5). Also called: Salih Myopathy; CONGENITAL MYOPATHY 5 WITH CARDIOMYOPATHY. Identifiers: Orphanet 289377, MedGen C2673677, MONDO:0012714, OMIM 611705. Disease mechanism: loss of function.
Myopathy, myofibrillar, 9, with early respiratory failure (MFM9). Also called: Myopathy, distal, with early respiratory failure, autosomal dominant; MYOPATHY, PROXIMAL, WITH EARLY RESPIRATORY MUSCLE INVOLVEMENT; Hereditary myopathy with early respiratory failure; EDSTROM MYOPATHY. Identifiers: Orphanet 178464, Orphanet 34521, MedGen C1863599, MONDO:0011362, OMIM 603689.
Tibial muscular dystrophy (TMD). Also called: Tibial muscular dystrophy, tardive; Udd Distal Myopathy – Tibial Muscular Dystrophy; UDD MYOPATHY. Identifiers: Orphanet 609, MedGen C1838244, MONDO:0010870, OMIM 600334.

Allele frequency attached by ClinVar (database versions not stated): gnomAD 0.00005 and 0.00006; TOPMed 0.00006; ESP Exome Variant Server 0.00008; gnomAD exomes 0.00011 and 0.00024; ExAC 0.00013.
gnomAD v4.1: 351 of 1,613,216 alleles (0.022%); highest among the groups gnomAD compares: Non-Finnish European, 0.027%; no homozygotes.

Submissions (12):

PreventionGenetics, part of Exact Sciences
Classification: Likely benign for TTN-related condition. Last evaluated: 2025-08-05. Review status: criteria provided, single submitter. Criteria: ACMG Guidelines, 2015. Collection method: clinical testing. Allele origin: germline.
Comment: This variant is classified as likely benign based on ACMG/AMP sequence variant interpretation guidelines (Richards et al. 2015 PMID: 25741868, with internal and published modifications).

Women's Health and Genetics/Laboratory Corporation of America, LabCorp
Classification: Uncertain significance. Last evaluated: 2024-10-04. Review status: criteria provided, single submitter. Criteria: LabCorp Variant Classification Summary - May 2015. Collection method: clinical testing. Allele origin: germline.
Comment: Variant summary: TTN c.69950T>C (p.Ile23317Thr) results in a non-conservative amino acid change located in the A-band region of the encoded protein sequence. Two of four in-silico tools predict a damaging effect of the variant on protein function. The variant allele was found at a frequency of 0.00022 in 1606228 control chromosomes, predominantly at a frequency of 0.00027 within the Non-Finnish European subpopulation in the gnomAD database (v4.1 dataset). This frequency is not higher than the estimated maximum expected for a pathogenic variant in TTN causing Limb-Girdle Muscular Dystrophy, Type 2J, allowing no conclusion about variant significance. To our knowledge, no occurrence of c.69950T>C in individuals affected with Limb-Girdle Muscular Dystrophy, Type 2J and no experimental evidence demonstrating its impact on protein function have been reported. ClinVar contains an entry for this variant (Variation ID: 202330). Based on the evidence outlined above, the variant was classified as uncertain significance.

Revvity Omics, Revvity
Classification: Uncertain significance. Last evaluated: 2022-02-02. Review status: criteria provided, single submitter. Criteria: ACMG Guidelines, 2015. Collection method: clinical testing. Allele origin: germline.

Ambry Genetics
Classification: Likely benign for Cardiovascular phenotype. Last evaluated: 2019-11-22. Review status: criteria provided, single submitter. Criteria: Ambry Variant Classification Scheme 2023. Collection method: clinical testing. Allele origin: germline.

Illumina Laboratory Services, Illumina
Classification: Benign for Tibial muscular dystrophy. Last evaluated: 2018-01-12. Review status: criteria provided, single submitter. Criteria: ICSL Variant Classification Criteria 13 December 2019. Collection method: clinical testing. Allele origin: germline.
Comment: This variant was observed in the ICSL laboratory as part of a predisposition screen in an ostensibly healthy population. It had not been previously curated by ICSL or reported in the Human Gene Mutation Database (HGMD: prior to June 1st, 2018), and was therefore a candidate for classification through an automated scoring system. Utilizing variant allele frequency, disease prevalence and penetrance estimates, and inheritance mode, an automated score was calculated to assess if this variant is too frequent to cause the disease. Based on the score and internal cut-off values, a variant classified as benign is not then subjected to further curation. The score for this variant resulted in a classification of benign for this disease.

Illumina Laboratory Services, Illumina
Classification: Benign for Myopathy, myofibrillar, 9, with early respiratory failure. Last evaluated: 2018-01-12. Review status: criteria provided, single submitter. Criteria: ICSL Variant Classification Criteria 13 December 2019. Collection method: clinical testing. Allele origin: germline.
Comment: the same text as in the submission from Illumina Laboratory Services, Illumina above.

Illumina Laboratory Services, Illumina
Classification: Uncertain significance for Autosomal recessive limb-girdle muscular dystrophy type 2J. Last evaluated: 2018-01-12. Review status: criteria provided, single submitter. Criteria: ICSL Variant Classification Criteria 13 December 2019. Collection method: clinical testing. Allele origin: germline.

Illumina Laboratory Services, Illumina
Classification: Uncertain significance for Dilated cardiomyopathy 1G. Last evaluated: 2018-01-12. Review status: criteria provided, single submitter. Criteria: ICSL Variant Classification Criteria 13 December 2019. Collection method: clinical testing. Allele origin: germline.

Illumina Laboratory Services, Illumina
Classification: Uncertain significance for Early-onset myopathy with fatal cardiomyopathy. Last evaluated: 2018-01-12. Review status: criteria provided, single submitter. Criteria: ICSL Variant Classification Criteria 13 December 2019. Collection method: clinical testing. Allele origin: germline.

Labcorp Genetics (formerly Invitae), Labcorp
Classification: Uncertain significance for Dilated cardiomyopathy 1G; Autosomal recessive limb-girdle muscular dystrophy type 2J. Last evaluated: 2017-11-10. Review status: criteria provided, single submitter. Criteria: Invitae Variant Classification Sherloc (09022015). Collection method: clinical testing. Allele origin: germline.

GeneDx
Classification: Uncertain significance. Last evaluated: 2017-05-19. Review status: criteria provided, single submitter. Criteria: GeneDx Variant Classification (06012015). Collection method: clinical testing. Allele origin: germline. Affected: yes.
Comment: The c.2527-1 G>A variant has not been published as pathogenic or been reported as benign to our knowledge. This variant is not observed in large population cohorts (Lek et al., 2016; 1000 Genomes Consortium et al., 2015; Exome Variant Server). This single nucleotide substitution is predicted to destroy the intron 20 splice acceptor site, which is in the last intron of the ACTN2 gene. While this variant is expected to cause abnormal gene splicing, in the absence of functional studies, the physiological consequence cannot be precisely determined. This variant may lead to either an abnormal message that is subject to nonsense-mediated mRNA decay, or to an abnormal protein product if the message is used for protein translation. Furthermore, no splice site variants in the ACTN2 gene have been reported in HGMD (Stenson et al., 2014) and the majority of variants in the ACTN2 gene reported in association with cardiomyopathy are missense changes, suggesting that haploinsufficiency may not be a mechanism of disease in this gene. Therefore, based on the currently available information, it is unclear whether this variant is pathogenic or benign.

Eurofins Ntd Llc (ga)
Classification: Uncertain significance. Last evaluated: 2017-01-05. Review status: criteria provided, single submitter. Criteria: EGL Classification Definitions 2015. Collection method: clinical testing. Allele origin: germline. Observed: 1 variant allele, 1 heterozygote.